The following is an entry in ClinVar:

ClinVar aggregate classification (germline): Uncertain significance (1 of 4 stars; one submission).

gnomAD v4.1: 4 of 1,613,842 alleles (0.00025%); highest among the groups gnomAD compares: Middle Eastern, 0.017%; no homozygotes.

Submission:

Labcorp Genetics (formerly Invitae), Labcorp
Classification: Uncertain significance. Last evaluated: 2025-11-13. Review status: criteria provided, single submitter. Criteria: Invitae Variant Classification Sherloc (09022015). Collection method: clinical testing. Allele origin: germline.
Comment: This sequence change replaces lysine, which is basic and polar, with arginine, which is basic and polar, at codon 433 of the FCHO1 protein (p.Lys433Arg). This variant is not present in population databases (gnomAD no frequency). This variant has not been reported in the literature in individuals affected with FCHO1-related conditions. An algorithm developed to predict the effect of missense changes on protein structure and function (PolyPhen-2) suggests that this variant is likely to be tolerated. In summary, the available evidence is currently insufficient to determine the role of this variant in disease. Therefore, it has been classified as a Variant of Uncertain Significance.

NM_015122.3(FCHO1):c.1298A>G (p.Lys433Arg)

Gene: FCHO1 (FCH and mu domain containing endocytic adaptor 1; plus strand). Cytogenetic location: 19p13.11.
Variant type: single nucleotide variant.
Coding change: c.1298A>G on transcript NM_015122.3 (MANE Select); coding-DNA position 1298, A replaced by G.
Protein change: p.Lys433Arg; replaces lysine 433 with arginine.
Molecular consequence: missense variant. On other transcripts: non-coding transcript variant (24), intron variant (1).
Genome position (GRCh38, 1-based): chr19:17,778,175, A>G. VCF-style: chr19-17778175-A-G. GRCh37 (hg19) VCF-style: chr19-17888984-A-G.
Other names: c.1298A>G, p.Lys433Arg (NM_001384378.1, NM_001384379.1, NM_001384380.1 and 25 more transcripts); c.1148A>G, p.Lys383Arg (NM_001384384.1, NM_001384385.1, NM_001384386.1 and 2 more transcripts); c.1259A>G, p.Lys420Arg (NM_001384388.1, NM_001384389.1, NM_001384405.1); c.1223A>G, p.Lys408Arg (NM_001384390.1); c.1253A>G, p.Lys418Arg (NM_001384403.1); c.1057+1904A>G (NM_001384407.1); short protein forms K420R, K383R, K408R, K418R, K433R.
Identifiers: ClinVar variation 4739212 (VCV004739212.1).